The following is an entry in ClinVar:

ClinVar aggregate classification (germline): Uncertain significance (1 of 4 stars; one submission).

Submission:

Women's Health and Genetics/Laboratory Corporation of America, LabCorp
Classification: Uncertain significance. Last evaluated: 2026-03-18. Review status: criteria provided, single submitter. Criteria: LabCorp Variant Classification Summary - May 2015. Collection method: clinical testing. Allele origin: germline.
Comment: Variant summary: AARS1 c.1785+5G>A alters a conserved nucleotide located close to a canonical splice site and therefore could affect mRNA splicing, leading to a significantly altered protein sequence. Several computational tools predict a significant impact on normal splicing: One predict the variant abolishes a 5' splicing donor site. Three predict the variant weakens a 5' donor site. However, these predictions have yet to be confirmed by functional studies. The variant was absent in 282800 control chromosomes. The available data on variant occurrences in the general population are insufficient to allow any conclusion about variant significance. To our knowledge, no occurrence of c.1785+5G>A in individuals affected with AARS1-related conditions and no experimental evidence demonstrating its impact on protein function have been reported. No submitters have cited clinical-significance assessments for this variant to ClinVar. Based on the evidence outlined above, the variant was classified as uncertain significance.

NM_001605.3(AARS1):c.1785+5G>A

Gene: AARS1 (alanyl-tRNA synthetase 1; minus strand). Cytogenetic location: 16q22.1.
Variant type: single nucleotide variant.
Coding change: c.1785+5G>A on transcript NM_001605.3 (MANE Select); 5 bases into the intron after coding-DNA position 1785, G replaced by A.
Molecular consequence: intron variant.
Genome position (GRCh38, 1-based): chr16:70,261,039, C>T on the plus strand (G>A on the coding strand, the complement: AARS1 is on the minus strand). VCF-style: chr16-70261039-C-T. GRCh37 (hg19) VCF-style: chr16-70294942-C-T.
Identifiers: ClinVar variation 4847095 (VCV004847095.1).